The following is an entry in ClinVar:

ClinVar aggregate classification (germline): Likely benign (1 of 4 stars; one submission).

Submission:

CeGaT Center for Human Genetics Tuebingen
Classification: Likely benign. Last evaluated: 2022-12-01. Review status: criteria provided, single submitter. Criteria: CeGaT Center For Human Genetics Tuebingen Variant Classification Criteria Version 2. Collection method: clinical testing. Allele origin: germline. Affected: yes. Observed: 1 variant allele.
Comment: DNAJC21: PM2:Supporting, BP4, BP7

NM_001012339.3(DNAJC21):c.528A>G (p.Ser176=)

Gene: DNAJC21 (DnaJ heat shock protein family (Hsp40) member C21; plus strand). Cytogenetic location: 5p13.2.
Variant type: single nucleotide variant.
Coding change: c.528A>G on transcript NM_001012339.3 (MANE Select); coding-DNA position 528, A replaced by G.
Protein change: p.Ser176=; no amino-acid change (serine 176 retained).
Molecular consequence: synonymous variant.
Genome position (GRCh38, 1-based): chr5:34,937,415, A>G. VCF-style: chr5-34937415-A-G. GRCh37 (hg19) VCF-style: chr5-34937520-A-G.
Other names: c.528A>G, p.Ser176= (NM_001348420.2, NM_194283.4).
Identifiers: ClinVar variation 2655393 (VCV002655393.24), dbSNP rs2480597611, ClinGen allele CA444091865.
Genomic context (GRCh38, chr5:34,937,415, plus strand): 5'-GAGTTTCTGCACTCAAAAGAATTTTGCATGGAAGGAAGAATATGATACACGACAGGCTTC[A>G]AACCGCTGGGAAAAACGAGCCATGGAAAAAGAAAACAAAAAGATTCGGGACAAAGCAAGG-3'
Protein context (NP_001012339.2, residues 166-186): WKEEYDTRQA[Ser176=]NRWEKRAMEK